The following is an entry in ClinVar:

ClinVar aggregate classification (germline): Uncertain significance (1 of 4 stars; one submission).

Conditions:
Charcot-Marie-Tooth disease axonal type 2P. Also called: CHARCOT-MARIE-TOOTH NEUROPATHY, TYPE 2P; Charcot-Marie-Tooth Neuropathy Type 2G; CHARCOT-MARIE-TOOTH DISEASE, AXONAL, TYPE 2G; CMT 2G. Identifiers: Orphanet 300319, Orphanet 99941, MedGen C3280797, MONDO:0013753, OMIM 614436.

Submission:

Labcorp Genetics (formerly Invitae), Labcorp
Classification: Uncertain significance for Charcot-Marie-Tooth disease axonal type 2P. Last evaluated: 2025-06-07. Review status: criteria provided, single submitter. Criteria: Invitae Variant Classification Sherloc (09022015). Collection method: clinical testing. Allele origin: germline.
Comment: This sequence change falls in intron 7 of the LRSAM1 gene. It does not directly change the encoded amino acid sequence of the LRSAM1 protein. This variant is not present in population databases (gnomAD no frequency). This variant has not been reported in the literature in individuals affected with LRSAM1-related conditions. Algorithms developed to predict the effect of sequence changes on RNA splicing suggest that this variant may disrupt the consensus splice site. In summary, the available evidence is currently insufficient to determine the role of this variant in disease. Therefore, it has been classified as a Variant of Uncertain Significance.

NM_001005373.4(LRSAM1):c.407-13G>A

Gene: LRSAM1 (leucine rich repeat and sterile alpha motif containing 1; plus strand). Cytogenetic location: 9q33.3.
Variant type: single nucleotide variant.
Coding change: c.407-13G>A on transcript NM_001005373.4 (MANE Select); 13 bases into the intron before coding-DNA position 407, G replaced by A.
Molecular consequence: intron variant.
Genome position (GRCh38, 1-based): chr9:127,462,239, G>A. VCF-style: chr9-127462239-G-A. GRCh37 (hg19) VCF-style: chr9-130224518-G-A.
Other names: c.407-13G>A (NM_138361.5, NM_001384142.1, NM_001384143.1 and 2 more transcripts); c.-378-13G>A (NM_001384144.1).
Identifiers: ClinVar variation 4720930 (VCV004720930.1).